The following is an entry in ClinVar:

NM_000049.4(ASPA):c.315T>C (p.Ser105=)

Genes: ASPA (aspartoacylase; plus strand), SPATA22 (spermatogenesis associated 22; minus strand). Cytogenetic location: 17p13.2.
Variant type: single nucleotide variant.
Coding change: c.315T>C on transcript NM_000049.4 (MANE Select); coding-DNA position 315, T replaced by C.
Protein change: p.Ser105=; no amino-acid change (serine 105 retained).
Molecular consequence: synonymous variant. On other transcripts: intron variant (2).
Genome position (GRCh38, 1-based): chr17:3,481,681, T>C. VCF-style: chr17-3481681-T-C. GRCh37 (hg19) VCF-style: chr17-3384975-T-C.
Other names: c.315T>C, p.Ser105= (NM_001128085.1); c.-73-12283A>G (NM_001321336.2, NM_001321337.2).
Identifiers: ClinVar variation 1148567 (VCV001148567.11), dbSNP rs866030859, ClinGen allele CA287011807.

ClinVar aggregate classification (germline): Likely benign. Review status: criteria provided, single submitter (1 of 4 stars). 2 submissions from 2 submitters: Likely benign (1). 1 of the submissions does not count toward it. Last evaluated 2023-10-13.

Conditions:
ASPA-related disorder. Also called: ASPA-related condition.
Spongy degeneration of central nervous system. Also called: ACY2 DEFICIENCY; AMINOACYLASE 2 DEFICIENCY; ASP DEFICIENCY; ASPA DEFICIENCY; ASPARTOACYLASE DEFICIENCY; CANAVAN-VAN BOGAERT-BERTRAND DISEASE. Identifiers: Orphanet 141, MedGen C0206307, MONDO:0010079, OMIM 271900.

Allele frequency attached by ClinVar (database versions not stated): gnomAD exomes 0.00001.
gnomAD v4.1: 8 of 1,613,900 alleles (0.0005%); highest among the groups gnomAD compares: Middle Eastern, 0.13%; no homozygotes.

Submissions (2):

Labcorp Genetics (formerly Invitae), Labcorp
Classification: Likely benign for Spongy degeneration of central nervous system. Last evaluated: 2023-10-13. Review status: criteria provided, single submitter. Criteria: Invitae Variant Classification Sherloc (09022015). Collection method: clinical testing. Allele origin: germline.

PreventionGenetics, part of Exact Sciences
Classification: Likely benign for ASPA-related condition. Last evaluated: 2019-04-12. Review status: no assertion criteria provided. Collection method: clinical testing. Allele origin: germline. Not counted in ClinVar's aggregate classification.
Comment: This variant is classified as likely benign based on ACMG/AMP sequence variant interpretation guidelines (Richards et al. 2015 PMID: 25741868, with internal and published modifications).